The following is an entry in ClinVar:

NM_001373.1:c.8360A>G

Gene: DNAH14 (dynein axonemal heavy chain 14; plus strand).
Variant type: single nucleotide variant.
Identifiers: ClinVar variation 4540037 (VCV004540037.1).

ClinVar aggregate classification (germline): Uncertain significance (1 of 4 stars; one submission).

Submission:

GeneDx
Classification: Uncertain significance. Last evaluated: 2025-06-11. Review status: criteria provided, single submitter. Criteria: GeneDx Variant Classification Process June 2021. Collection method: clinical testing. Allele origin: germline. Affected: yes.
Comment: Not observed at significant frequency in large population cohorts (gnomAD); In silico analysis supports that this missense variant has a deleterious effect on protein structure/function; Has not been previously published as pathogenic or benign to our knowledge